The following is an entry in ClinVar:

ClinVar aggregate classification (germline): Uncertain significance. Review status: criteria provided, multiple submitters, no conflicts (2 of 4 stars). 2 submissions from 2 submitters: Uncertain significance (2). Last evaluated 2025-03-04.

gnomAD v4.1: 1 of 1,613,914 alleles (0.000062%); highest among the groups gnomAD compares: Non-Finnish European, 0.000085%; no homozygotes.

Submissions (2):

Mayo Clinic Laboratories, Mayo Clinic
Classification: Uncertain significance. Last evaluated: 2025-03-04. Review status: criteria provided, single submitter. Criteria: ACMG Guidelines, 2015. Collection method: clinical testing. Allele origin: germline. Observed: 1 variant allele.
Comment: PM2_supporting

Blueprint Genetics
Classification: Uncertain significance. Last evaluated: 2023-04-17. Review status: criteria provided, single submitter. Criteria: ACMG Guidelines, 2015. Collection method: clinical testing. Allele origin: germline.

NM_000466.3(PEX1):c.2859T>A (p.Asn953Lys)

Genes: GATAD1 (GATA zinc finger domain containing 1; plus strand), PEX1 (peroxisomal biogenesis factor 1; minus strand). Cytogenetic location: 7q21.2.
Variant type: single nucleotide variant.
Coding change: c.2859T>A on transcript NM_000466.3 (MANE Select); coding-DNA position 2859, T replaced by A.
Protein change: p.Asn953Lys; replaces asparagine 953 with lysine.
Molecular consequence: missense variant.
Genome position (GRCh38, 1-based): chr7:92,494,554, A>T on the plus strand (T>A on the coding strand, the complement: PEX1 is on the minus strand). VCF-style: chr7-92494554-A-T. GRCh37 (hg19) VCF-style: chr7-92123868-A-T.
Other names: p.Asn953Lys; c.2688T>A, p.Asn896Lys (NM_001282677.2); c.2235T>A, p.Asn745Lys (NM_001282678.2); short protein forms N896K, N745K, N953K.
Identifiers: ClinVar variation 4541306 (VCV004541306.2).